The following is an entry in ClinVar:

ClinVar aggregate classification (germline): Uncertain significance (1 of 4 stars; one submission).

Allele frequency attached by ClinVar (database versions not stated): gnomAD exomes 0.00001; TOPMed below 0.00001; ExAC 0.00002.

Submission:

Labcorp Genetics (formerly Invitae), Labcorp
Classification: Uncertain significance. Last evaluated: 2022-05-30. Review status: criteria provided, single submitter. Criteria: Invitae Variant Classification Sherloc (09022015). Collection method: clinical testing. Allele origin: germline.
Comment: This sequence change replaces valine, which is neutral and non-polar, with glycine, which is neutral and non-polar, at codon 761 of the NEFH protein (p.Val761Gly). This variant is present in population databases (rs752237762, gnomAD 0.002%). This variant has not been reported in the literature in individuals affected with NEFH-related conditions. Advanced modeling of protein sequence and biophysical properties (such as structural, functional, and spatial information, amino acid conservation, physicochemical variation, residue mobility, and thermodynamic stability) performed at Invitae indicates that this missense variant is not expected to disrupt NEFH protein function. In summary, the available evidence is currently insufficient to determine the role of this variant in disease. Therefore, it has been classified as a Variant of Uncertain Significance.

NM_021076.4(NEFH):c.2282T>G (p.Val761Gly)

Gene: NEFH (neurofilament heavy chain; plus strand). Cytogenetic location: 22q12.2.
Variant type: single nucleotide variant.
Coding change: c.2282T>G on transcript NM_021076.4 (MANE Select); coding-DNA position 2282, T replaced by G.
Protein change: p.Val761Gly; replaces valine 761 with glycine.
Molecular consequence: missense variant.
Genome position (GRCh38, 1-based): chr22:29,489,922, T>G. VCF-style: chr22-29489922-T-G. GRCh37 (hg19) VCF-style: chr22-29885911-T-G.
Other names: short protein forms V761G.
Identifiers: ClinVar variation 2071119 (VCV002071119.4), dbSNP rs752237762, ClinGen allele CA10174396.